The following is an entry in ClinVar:

NM_001367624.2(ZNF469):c.1802C>A (p.Ala601Asp)

Gene: ZNF469 (zinc finger protein 469; plus strand). Cytogenetic location: 16q24.2.
Variant type: single nucleotide variant.
Coding change: c.1802C>A on transcript NM_001367624.2 (MANE Select); coding-DNA position 1802, C replaced by A.
Protein change: p.Ala601Asp; replaces alanine 601 with aspartic acid.
Molecular consequence: missense variant.
Genome position (GRCh38, 1-based): chr16:88,429,272, C>A. VCF-style: chr16-88429272-C-A. GRCh37 (hg19) VCF-style: chr16-88495680-C-A.
Other names: NM_001127464.1:c.1802C>A; short protein forms A601D.
Identifiers: ClinVar variation 4866968 (VCV004866968.1).

ClinVar aggregate classification (germline): Uncertain significance (1 of 4 stars; one submission).

Conditions:
Cardiovascular phenotype. Identifiers: MedGen CN230736.

gnomAD v4.1: 9 of 1,549,880 alleles (0.00058%); highest among the groups gnomAD compares: South Asian, 0.011%; no homozygotes.

Submission:

Ambry Genetics
Classification: Uncertain significance for Cardiovascular phenotype. Last evaluated: 2026-03-21. Review status: criteria provided, single submitter. Criteria: Ambry Variant Classification Scheme 2023. Collection method: clinical testing. Allele origin: germline.
Comment: The p.A601D variant (also known as c.1802C>A), located in coding exon 1 of the ZNF469 gene, results from a C to A substitution at nucleotide position 1802. The alanine at codon 601 is replaced by aspartic acid, an amino acid with dissimilar properties. This amino acid position is conserved. In addition, this alteration is predicted to be tolerated by in silico analysis. Based on the available evidence, the clinical significance of this variant remains unclear.